The following is an entry in ClinVar:

NM_000441.2(SLC26A4):c.317C>A (p.Ala106Asp)

Gene: SLC26A4 (solute carrier family 26 member 4; plus strand). Cytogenetic location: 7q22.3.
Variant type: single nucleotide variant.
Coding change: c.317C>A on transcript NM_000441.2 (MANE Select); coding-DNA position 317, C replaced by A.
Protein change: p.Ala106Asp; replaces alanine 106 with aspartic acid.
Molecular consequence: missense variant.
Genome position (GRCh38, 1-based): chr7:107,672,150, C>A. VCF-style: chr7-107672150-C-A. GRCh37 (hg19) VCF-style: chr7-107312595-C-A.
Other names: short protein forms A106D.
Identifiers: ClinVar variation 1065204 (VCV001065204.5), dbSNP rs1562822565, ClinGen allele CA368846944.

ClinVar aggregate classification (germline): Pathogenic. Review status: criteria provided, multiple submitters, no conflicts (2 of 4 stars). 3 submissions from 3 submitters: Pathogenic (3). Last evaluated 2024-02-02.

Conditions:
Autosomal recessive nonsyndromic hearing loss 4 (DFNB4). Also called: Enlarged vestibular aqueduct, digenic; FOXI1-Related Pendred Syndrome; KCNJ10-Related Pendred Syndrome; Deafness, autosomal recessive 4, with enlarged vestibular aqueduct; Deafness, autosomal recessive 4; NEUROSENSORY NONSYNDROMIC RECESSIVE DEAFNESS 4. Identifiers: Orphanet 90636, MedGen C3538946, MONDO:0010933, OMIM 600791.

Submissions (3):

Labcorp Genetics (formerly Invitae), Labcorp
Classification: Pathogenic. Last evaluated: 2024-02-02. Review status: criteria provided, single submitter. Criteria: Invitae Variant Classification Sherloc (09022015). Collection method: clinical testing. Allele origin: germline.
Comment: This sequence change replaces alanine, which is neutral and non-polar, with aspartic acid, which is acidic and polar, at codon 106 of the SLC26A4 protein (p.Ala106Asp). This variant is not present in population databases (gnomAD no frequency). This missense change has been observed in individuals with Pendred syndrome (PMID: 11317356, 29372807, 34170635). ClinVar contains an entry for this variant (Variation ID: 1065204). Advanced modeling of protein sequence and biophysical properties (such as structural, functional, and spatial information, amino acid conservation, physicochemical variation, residue mobility, and thermodynamic stability) performed at Invitae indicates that this missense variant is expected to disrupt SLC26A4 protein function with a positive predictive value of 95%. For these reasons, this variant has been classified as Pathogenic.

The Shared Resource Centre "Genome", Research Centre for Medical Genetics
Classification: Pathogenic for Autosomal recessive nonsyndromic hearing loss 4. Last evaluated: 2022-11-10. Review status: criteria provided, single submitter. Criteria: ACMG Guidelines, 2015. Collection method: clinical testing. Allele origin: germline. Affected: yes. Observed: 1 variant allele.

Precision Medicine Center, Zhengzhou University
Classification: Pathogenic for Autosomal recessive nonsyndromic hearing loss 4. Review status: criteria provided, single submitter. Criteria: ACMG Guidelines, 2015. Collection method: research. Allele origin: germline. Affected: yes.
Comment: PM2: not found in gnomAD PM3_VeryStrong: Pathogenic mutation confirmed in trans in 3 patients and phase unknown in two patients PP1: Segregation in one affected relative PP3: REVEL score > 0.7 PP4: Patient's phenotype highly specific for gene

Literature cited by the submitters: PubMed 11317356 (cited by Labcorp Genetics (formerly Invitae), Labcorp); PubMed 29372807 (cited by Labcorp Genetics (formerly Invitae), Labcorp); PubMed 34170635 (cited by Labcorp Genetics (formerly Invitae), Labcorp).